The following is an entry in ClinVar:

ClinVar aggregate classification (germline): Likely pathogenic (1 of 4 stars; one submission).

Submissions (2):

Genetics Laboratory, UDIAT-Centre Diagnòstic, Hospital Universitari Parc Tauli
Classification: Likely pathogenic. Last evaluated: 2021-04-26. Review status: criteria provided, single submitter. Criteria: Parc Tauli Hospital Assertion Criteria 2021. Collection method: clinical testing. Allele origin: inherited. Inheritance: X-linked inheritance. Affected: yes. Observed: 1 hemizygote.
Comment: PVS1_very strong;PM2_supporting

Dr. Peter K. Rogan Lab, Western University
No classification provided (evidence only). Condition: Thyroid cancer, nonmedullary, 1. Review status: no classification provided. Collection method: in vitro. Allele origin: not applicable. Functional consequence: retained intron. Not counted in ClinVar's aggregate classification.

NM_001039591.3(USP9X):c.1986-1G>T

Gene: USP9X (ubiquitin specific peptidase 9 X-linked; plus strand). Cytogenetic location: Xp11.4.
Variant type: single nucleotide variant.
Coding change: c.1986-1G>T on transcript NM_001039591.3 (MANE Select); the canonical splice acceptor site of the intron before coding-DNA position 1986, G replaced by T.
Molecular consequence: splice acceptor variant.
Genome position (GRCh38, 1-based): chrX:41,165,871, G>T. VCF-style: chrX-41165871-G-T. GRCh37 (hg19) VCF-style: chrX-41025124-G-T.
Other names: NC_000023.10:g.41025124G>T; c.2001-1G>T (NM_001410748.1, NM_001410749.1); c.1986-1G>T (NM_001039590.3).
Identifiers: ClinVar variation 1098324 (VCV001098324.3), dbSNP rs2147113534, ClinGen allele CA412751876.